The following is an entry in ClinVar:

ClinVar aggregate classification (germline): Uncertain significance. Review status: criteria provided, multiple submitters, no conflicts (2 of 4 stars). 8 submissions from 8 submitters: Uncertain significance (6). 2 of the submissions do not count toward it. Last evaluated 2025-07-22.

Conditions:
Inherited breast cancer and ovarian cancer.
BRCA2-related disorder. Also called: BRCA2-related condition; BRCA2-related disorders. Identifiers: MedGen CN239275.
Hereditary cancer-predisposing syndrome. Also called: Neoplastic Syndromes, Hereditary; Hereditary Cancer Syndrome; Tumor predisposition; Hereditary neoplastic syndrome. Identifiers: Orphanet 140162, MedGen C0027672, MeSH D009386, MONDO:0015356.
Hereditary breast ovarian cancer syndrome. Also called: BRCA1- and BRCA2-Associated Hereditary Breast and Ovarian Cancer; Hereditary breast and ovarian cancer; Hereditary breast and ovarian cancer syndrome; Hereditary breast and ovarian cancer syndrome (HBOC); Hereditary breast and/or ovarian cancer syndrome; Breast and ovarian cancer. Identifiers: Orphanet 145, MedGen C0677776, MeSH D061325, MONDO:0003582. Disease mechanism: loss of function.

gnomAD v4.1: 2 of 1,609,240 alleles (0.00012%); highest among the groups gnomAD compares: Non-Finnish European, 0.00017%; no homozygotes.

Submissions (8):

PreventionGenetics, part of Exact Sciences
Classification: Uncertain significance for BRCA2-related condition. Last evaluated: 2025-07-22. Review status: criteria provided, single submitter. Criteria: ACMG Guidelines, 2015. Collection method: clinical testing. Allele origin: germline.
Comment: The BRCA2 c.467A>C variant is predicted to result in the amino acid substitution p.Asp156Ala. This variant has been reported in individuals with breast cancer (Fokkema et al. 2011. PubMed ID: 21520333; Supplemental file, Breast Cancer Association Consortium et al. 2021. PubMed ID: 33471991). This variant has not been reported in a large population database (gnomAD), indicating this variant is rare. This variant is interpreted as variant of uncertain significance in ClinVar (Variation ID: 489761). At this time, the clinical significance of this variant is uncertain due to the absence of conclusive functional and genetic evidence.

Labcorp Genetics (formerly Invitae), Labcorp
Classification: Uncertain significance for Hereditary breast ovarian cancer syndrome. Last evaluated: 2025-04-28. Review status: criteria provided, single submitter. Criteria: Invitae Variant Classification Sherloc (09022015). Collection method: clinical testing. Allele origin: germline.
Comment: This sequence change replaces aspartic acid, which is acidic and polar, with alanine, which is neutral and non-polar, at codon 156 of the BRCA2 protein (p.Asp156Ala). This variant is not present in population databases (gnomAD no frequency). This missense change has been observed in individual(s) with clinical features of BRCA2-related conditions (PMID: 21520333). ClinVar contains an entry for this variant (Variation ID: 489761). Invitae Evidence Modeling of protein sequence and biophysical properties (such as structural, functional, and spatial information, amino acid conservation, physicochemical variation, residue mobility, and thermodynamic stability) indicates that this missense variant is not expected to disrupt BRCA2 protein function with a negative predictive value of 95%. In summary, the available evidence is currently insufficient to determine the role of this variant in disease. Therefore, it has been classified as a Variant of Uncertain Significance.

Genomics and Molecular Medicine Service, East Genomic Laboratory Hub, NHS Genomic Medicine Service
Classification: Uncertain significance for Inherited breast cancer and ovarian cancer. Last evaluated: 2024-11-13. Review status: criteria provided, single submitter. Criteria: ACGS Best Practice Guidelines for Variant Classification in Rare Disease 2020. Collection method: clinical testing. Allele origin: germline. Affected: yes.
Comment: PM2,BP1,BP4

Ambry Genetics
Classification: Uncertain significance for Hereditary cancer-predisposing syndrome. Last evaluated: 2022-07-18. Review status: criteria provided, single submitter. Criteria: Ambry Variant Classification Scheme 2023. Collection method: clinical testing. Allele origin: germline.
Comment: The p.D156A variant (also known as c.467A>C), located in coding exon 4 of the BRCA2 gene, results from an A to C substitution at nucleotide position 467. The aspartic acid at codon 156 is replaced by alanine, an amino acid with dissimilar properties. This amino acid position is poorly conserved in available vertebrate species. In addition, this alteration is predicted to be tolerated by in silico analysis. Since supporting evidence is limited at this time, the clinical significance of this alteration remains unclear.

Sema4
Classification: Uncertain significance for Hereditary cancer-predisposing syndrome. Last evaluated: 2021-09-07. Review status: criteria provided, single submitter. Criteria: Sema4 Curation Guidelines. Collection method: curation. Allele origin: germline.
Comment: The BRCA2 c.467A>C (p.D156A) variant has been reported in at least one individual with breast cancer as well as in controls (PMID: 33471991). It was not observed in the large and broad cohorts of the Genome Aggregation Database (PMID: 32461654). The variant has been reported in ClinVar (Variation ID 489761). Functional studies have not been performed, and in silico predictions of the variant's effect on protein function are inconclusive. The evidence is insufficient to meet ACMG/AMP criteria for classifying the variant as benign or pathogenic. Thus, the clinical significance of this variant is currently uncertain.

Color Diagnostics, LLC DBA Color Health
Classification: Uncertain significance for Hereditary cancer-predisposing syndrome. Last evaluated: 2019-04-22. Review status: criteria provided, single submitter. Criteria: ACMG Guidelines, 2015. Collection method: clinical testing. Allele origin: germline.

Clinical Genetics DNA and cytogenetics Diagnostics Lab, Erasmus MC, Erasmus Medical Center
Classification: Likely benign. Review status: no assertion criteria provided. Collection method: clinical testing. Allele origin: germline. Affected: yes. Study: VKGL Data-share Consensus. Not counted in ClinVar's aggregate classification.

Joint Genome Diagnostic Labs from Nijmegen and Maastricht, Radboudumc and MUMC+
Classification: Likely benign. Review status: no assertion criteria provided. Collection method: clinical testing. Allele origin: germline. Affected: yes. Study: VKGL Data-share Consensus. Not counted in ClinVar's aggregate classification.

Literature cited by the submitters: PubMed 21520333 (cited by Labcorp Genetics (formerly Invitae), Labcorp); PubMed 33471991 (cited by Sema4).

NM_000059.4(BRCA2):c.467A>C (p.Asp156Ala)

Gene: BRCA2 (BRCA2 DNA repair associated; plus strand). Cytogenetic location: 13q13.1.
Variant type: single nucleotide variant.
Coding change: c.467A>C on transcript NM_000059.4 (MANE Select); coding-DNA position 467, A replaced by C.
Protein change: p.Asp156Ala; replaces aspartic acid 156 with alanine.
Molecular consequence: missense variant.
Genome position (GRCh38, 1-based): chr13:32,326,142, A>C. VCF-style: chr13-32326142-A-C. GRCh37 (hg19) VCF-style: chr13-32900279-A-C.
Other names: short protein forms D156A.
Identifiers: ClinVar variation 489761 (VCV000489761.23), dbSNP rs68071147, ClinGen allele CA387757223.